The following is an entry in ClinVar:

ClinVar aggregate classification (germline): Likely benign (1 of 4 stars; one submission).

Conditions:
Wilson disease (WND). Also called: Wilson's disease. Identifiers: Orphanet 905, MedGen C0019202, MONDO:0010200, OMIM 277900. Disease mechanism: loss of function.

Submission:

All of Us Research Program, National Institutes of Health
Classification: Likely benign for Wilson disease. Last evaluated: 2023-10-02. Review status: criteria provided, single submitter. Criteria: ACMG Guidelines, 2015. Collection method: clinical testing. Allele origin: germline. Inheritance: Autosomal recessive inheritance. Observed: 1 variant allele, 1 heterozygote.
Comment: This study involves interpretation of variants in research participants for the purpose of population health screening. Participant phenotype was not available at the time of variant classification. Additional details can be found in publication PMID: 35346344, PMCID: PMC8962531

NM_000053.4(ATP7B):c.3909T>C (p.Asp1303=)

Gene: ATP7B (ATPase copper transporting beta; minus strand). Cytogenetic location: 13q14.3.
Variant type: single nucleotide variant.
Coding change: c.3909T>C on transcript NM_000053.4 (MANE Select); coding-DNA position 3909, T replaced by C.
Protein change: p.Asp1303=; no amino-acid change (aspartic acid 1303 retained).
Molecular consequence: synonymous variant.
Genome position (GRCh38, 1-based): chr13:51,937,388, A>G on the plus strand (T>C on the coding strand, the complement: ATP7B is on the minus strand). VCF-style: chr13-51937388-A-G. GRCh37 (hg19) VCF-style: chr13-52511524-A-G.
Other names: c.3288T>C, p.Asp1096= (NM_001005918.3); c.3576T>C, p.Asp1192= (NM_001243182.2); c.3675T>C, p.Asp1225= (NM_001330578.2, NM_001406527.1, NM_001406528.1); c.3657T>C, p.Asp1219= (NM_001330579.2, NM_001406531.1, NM_001406532.1); c.3909T>C, p.Asp1303= (NM_001406511.1, NM_001406512.1); c.3903T>C, p.Asp1301= (NM_001406513.1); c.3876T>C, p.Asp1292= (NM_001406514.1); c.3855T>C, p.Asp1285= (NM_001406515.1, NM_001406516.1); and 21 more.
Identifiers: ClinVar variation 3073602 (VCV003073602.1), dbSNP rs2547565555, ClinGen allele CA484024265.